The following is an entry in ClinVar:

Conditions:
Breast-ovarian cancer, familial, susceptibility to, 1 (BROVCA1). Also called: BRCA1 Hereditary Breast and Ovarian Cancer; OVARIAN CANCER, SUSCEPTIBILITY TO. Identifiers: Orphanet 145, MedGen C2676676, MONDO:0011450, OMIM 604370. Disease mechanism: loss of function.

Submission:

Brotman Baty Institute, University of Washington
No classification provided (evidence only). Condition: Breast-ovarian cancer, familial 1. Review status: no classification provided. Collection method: in vitro. Allele origin: not applicable. Functional consequence: functionally_normal.
ClinVar note: "not provided" was previously submitted as the classification for the variant. However, the classification appeared to be based only on an observation of functional data so it was converted to no classification on 2025-07-30.

NM_007294.4(BRCA1):c.11C>A (p.Ser4Tyr)

Gene: BRCA1 (BRCA1 DNA repair associated; minus strand). Cytogenetic location: 17q21.31.
Variant type: single nucleotide variant.
Coding change: c.11C>A on transcript NM_007294.4 (MANE Select); coding-DNA position 11, C replaced by A.
Protein change: p.Ser4Tyr; replaces serine 4 with tyrosine.
Molecular consequence: missense variant. On other transcripts: 5 prime UTR variant (1), non-coding transcript variant (1).
Genome position (GRCh38, 1-based): chr17:43,124,086, G>T on the plus strand (C>A on the coding strand, the complement: BRCA1 is on the minus strand). VCF-style: chr17-43124086-G-T. GRCh37 (hg19) VCF-style: chr17-41276103-G-T.
Other names: c.-178C>A (NM_001407571.1, NM_001407853.1, NM_001407879.1 and 46 more transcripts); c.11C>A, p.Ser4Tyr (NM_001407581.1, NM_001407582.1, NM_001407583.1 and 193 more transcripts); c.-247C>A (NM_001407694.1, NM_001407724.1, NM_001407727.1 and 11 more transcripts); c.-251C>A (NM_001407695.1, NM_001408465.1); c.-392C>A (NM_001407696.1); c.-276C>A (NM_001407697.1, NM_001407846.1, NM_001407920.1); c.-77C>A (NM_001407698.1, NM_001407732.1, NM_001407736.1 and 23 more transcripts); c.-250C>A (NM_001407725.1, NM_001407730.1, NM_001407734.1 and 22 more transcripts); and 8 more; short protein forms S4Y.
Identifiers: ClinVar variation 864991 (VCV000864991.3), dbSNP rs786203152, ClinGen allele CA10602137.